The following is an entry in ClinVar:

NM_001374828.1(ARID1B):c.6913A>G (p.Met2305Val)

Gene: ARID1B (AT-rich interaction domain 1B; plus strand). Cytogenetic location: 6q25.3.
Variant type: single nucleotide variant.
Coding change: c.6913A>G on transcript NM_001374828.1 (MANE Select); coding-DNA position 6913, A replaced by G.
Protein change: p.Met2305Val; replaces methionine 2305 with valine.
Molecular consequence: missense variant.
Genome position (GRCh38, 1-based): chr6:157,207,685, A>G. VCF-style: chr6-157207685-A-G. GRCh37 (hg19) VCF-style: chr6-157528819-A-G.
Other names: c.6544A>G (NM_020732.3); c.6793A>G, p.Met2265Val (NM_001374820.1, NM_001371656.1); c.6754A>G, p.Met2252Val (NM_017519.3); c.4414A>G, p.Met1472Val (NM_001363725.2); short protein forms M2265V, M1472V, M2252V, M2305V.
Identifiers: ClinVar variation 1414710 (VCV001414710.39), dbSNP rs1181252259, ClinGen allele CA366249342.

ClinVar aggregate classification (germline): Conflicting classifications of pathogenicity. Review status: criteria provided, conflicting classifications (1 of 4 stars). 3 submissions from 3 submitters: Uncertain significance (2); Likely benign (1). Last evaluated 2023-10-14.

Conditions:
Inborn genetic diseases. Identifiers: MedGen C0950123, MeSH D030342.

gnomAD v4.1: 15 of 1,610,386 alleles (0.00093%); highest among the groups gnomAD compares: Non-Finnish European, 0.0012%; no homozygotes.

Submissions (3):

Ambry Genetics
Classification: Likely benign for Inborn genetic diseases. Last evaluated: 2023-10-14. Review status: criteria provided, single submitter. Criteria: Ambry Variant Classification Scheme 2023. Collection method: clinical testing. Allele origin: germline.

Labcorp Genetics (formerly Invitae), Labcorp
Classification: Uncertain significance. Last evaluated: 2022-11-08. Review status: criteria provided, single submitter. Criteria: Invitae Variant Classification Sherloc (09022015). Collection method: clinical testing. Allele origin: germline.
Comment: Algorithms developed to predict the effect of missense changes on protein structure and function output the following: SIFT: "Deleterious"; PolyPhen-2: "Benign"; Align-GVGD: "Class C0". The valine amino acid residue is found in multiple mammalian species, which suggests that this missense change does not adversely affect protein function. ClinVar contains an entry for this variant (Variation ID: 1414710). This variant has not been reported in the literature in individuals affected with ARID1B-related conditions. This variant is present in population databases (no rsID available, gnomAD 0.003%). This sequence change replaces methionine, which is neutral and non-polar, with valine, which is neutral and non-polar, at codon 2182 of the ARID1B protein (p.Met2182Val). In summary, the available evidence is currently insufficient to determine the role of this variant in disease. Therefore, it has been classified as a Variant of Uncertain Significance.

CeGaT Center for Human Genetics Tuebingen
Classification: Uncertain significance. Last evaluated: 2022-02-01. Review status: criteria provided, single submitter. Criteria: CeGaT Center For Human Genetics Tuebingen Variant Classification Criteria Version 2. Collection method: clinical testing. Allele origin: germline. Affected: yes. Observed: 1 variant allele.